The following is an entry in ClinVar:

ClinVar aggregate classification (germline): Uncertain significance (1 of 4 stars; one submission).

Conditions:
Cardiovascular phenotype. Identifiers: MedGen CN230736.

gnomAD v4.1: 3 of 1,613,926 alleles (0.00019%); highest among the groups gnomAD compares: East Asian, 0.0022%; no homozygotes.

Submission:

Ambry Genetics
Classification: Uncertain significance for Cardiovascular phenotype. Last evaluated: 2024-11-05. Review status: criteria provided, single submitter. Criteria: Ambry Variant Classification Scheme 2023. Collection method: clinical testing. Allele origin: germline.
Comment: The p.V4427I variant (also known as c.13279G>A), located in coding exon 29 of the APOB gene, results from a G to A substitution at nucleotide position 13279. The valine at codon 4427 is replaced by isoleucine, an amino acid with highly similar properties. This amino acid position is conserved. In addition, this alteration is predicted to be tolerated by in silico analysis. Based on the available evidence, the clinical significance of this variant remains unclear.

NM_000384.3(APOB):c.13279G>A (p.Val4427Ile)

Gene: APOB (apolipoprotein B; minus strand). Cytogenetic location: 2p24.1.
Variant type: single nucleotide variant.
Coding change: c.13279G>A on transcript NM_000384.3 (MANE Select); coding-DNA position 13279, G replaced by A.
Protein change: p.Val4427Ile; replaces valine 4427 with isoleucine.
Molecular consequence: missense variant.
Genome position (GRCh38, 1-based): chr2:21,002,143, C>T on the plus strand (G>A on the coding strand, the complement: APOB is on the minus strand). VCF-style: chr2-21002143-C-T. GRCh37 (hg19) VCF-style: chr2-21225015-C-T.
Other names: short protein forms V4427I.
Identifiers: ClinVar variation 3416368 (VCV003416368.1).